The following is an entry in ClinVar:

NM_194248.3(OTOF):c.1981dup (p.Asp661fs)

Gene: OTOF (otoferlin; minus strand). Cytogenetic location: 2p23.3.
Variant type: Duplication.
Coding change: c.1981dup on transcript NM_194248.3 (MANE Select); coding-DNA position 1981, one base duplicated (G; older notation c.1981dupG).
Protein change: p.Asp661fs; shifts the reading frame from aspartic acid 661.
Molecular consequence: frameshift variant.
Genome position (GRCh38, 1-based): chr2:26,479,585, C duplicated on the plus strand (G on the coding strand, the reverse complement: OTOF is on the minus strand); the first of 5 consecutive C bases (chr2:26,479,585-26,479,589); duplicating any one gives the same sequence. VCF-style (leftmost placement, unchanged base first): chr2-26479584-T-TC. GRCh37 (hg19) VCF-style: chr2-26702452-T-TC.
Other names: c.1981dup, p.Asp661fs (NM_001287489.2); c.1981dupG (NM_194248.3); short protein forms D661fs.
Identifiers: ClinVar variation 1180669 (VCV001180669.2), dbSNP rs2148055230, ClinGen allele CA2573051918.
Genomic context (GRCh38, chr2:26,479,584, plus strand): 5'-TCCCCGGCATCACCGGCCTCGTCATCACTTGCGTTCTGAATCAGGTCTACTTCTTCCTCA[T>TC]CCCCCGGCTCCTTCCGGGGCCGAGGCCGCTGGGGCCGGGACAGGCCATCAACTTCGTTCC-3'

ClinVar aggregate classification (germline): Pathogenic. Review status: criteria provided, multiple submitters, no conflicts (2 of 4 stars). 2 submissions from 2 submitters: Pathogenic (2). Last evaluated 2025-10-09.

Conditions:
Ear malformation. Also called: CUP EAR; Abnormality of the ear. Identifiers: MedGen C0266589, MONDO:0007500, OMIM 128600, HP:0000598.

Submissions (2):

Labcorp Genetics (formerly Invitae), Labcorp
Classification: Pathogenic. Last evaluated: 2025-10-09. Review status: criteria provided, single submitter. Criteria: Invitae Variant Classification Sherloc (09022015). Collection method: clinical testing. Allele origin: germline.
Comment: This sequence change creates a premature translational stop signal (p.Asp661Glyfs*2) in the OTOF gene. It is expected to result in an absent or disrupted protein product. Loss-of-function variants in OTOF are known to be pathogenic (PMID: 18381613, 19250381, 22575033). This variant is not present in population databases (gnomAD no frequency). This premature translational stop signal has been observed in individual(s) with nonsyndromic deafness (PMID: 22906306). ClinVar contains an entry for this variant (Variation ID: 1180669). For these reasons, this variant has been classified as Pathogenic.

Kariminejad - Najmabadi Pathology & Genetics Center
Classification: Pathogenic for Ear malformation. Last evaluated: 2021-07-10. Review status: criteria provided, single submitter. Criteria: ACMG Guidelines, 2015. Collection method: clinical testing. Allele origin: germline. Affected: yes.

Literature cited by the submitters: PubMed 18381613 (cited by Labcorp Genetics (formerly Invitae), Labcorp); PubMed 19250381 (cited by Labcorp Genetics (formerly Invitae), Labcorp); PubMed 22575033 (cited by Labcorp Genetics (formerly Invitae), Labcorp); PubMed 22906306 (cited by Labcorp Genetics (formerly Invitae), Labcorp).